The following is an entry in ClinVar:

ClinVar aggregate classification (germline): Uncertain significance. Review status: criteria provided, multiple submitters, no conflicts (2 of 4 stars). 2 submissions from 2 submitters: Uncertain significance (2). Last evaluated 2025-08-07.

Conditions:
Inborn genetic diseases. Identifiers: MedGen C0950123, MeSH D030342.

Allele frequency attached by ClinVar (database versions not stated): gnomAD exomes below 0.00001.

Submissions (2):

Ambry Genetics
Classification: Uncertain significance for Inborn genetic diseases. Last evaluated: 2025-08-07. Review status: criteria provided, single submitter. Criteria: Ambry Variant Classification Scheme 2023. Collection method: clinical testing. Allele origin: germline.

Labcorp Genetics (formerly Invitae), Labcorp
Classification: Uncertain significance. Last evaluated: 2023-10-13. Review status: criteria provided, single submitter. Criteria: Invitae Variant Classification Sherloc (09022015). Collection method: clinical testing. Allele origin: germline.
Comment: This sequence change replaces arginine, which is basic and polar, with tryptophan, which is neutral and slightly polar, at codon 55 of the CSF2RB protein (p.Arg55Trp). This variant is present in population databases (no rsID available, gnomAD 0.0009%). This variant has not been reported in the literature in individuals affected with CSF2RB-related conditions. ClinVar contains an entry for this variant (Variation ID: 1430211). Advanced modeling of protein sequence and biophysical properties (such as structural, functional, and spatial information, amino acid conservation, physicochemical variation, residue mobility, and thermodynamic stability) performed at Invitae indicates that this missense variant is expected to disrupt CSF2RB protein function. In summary, the available evidence is currently insufficient to determine the role of this variant in disease. Therefore, it has been classified as a Variant of Uncertain Significance.

NM_000395.3(CSF2RB):c.163C>T (p.Arg55Trp)

Gene: CSF2RB (colony stimulating factor 2 receptor subunit beta; plus strand). Cytogenetic location: 22q12.3.
Variant type: single nucleotide variant.
Coding change: c.163C>T on transcript NM_000395.3 (MANE Select); coding-DNA position 163, C replaced by T.
Protein change: p.Arg55Trp; replaces arginine 55 with tryptophan.
Molecular consequence: missense variant.
Genome position (GRCh38, 1-based): chr22:36,923,330, C>T. VCF-style: chr22-36923330-C-T. GRCh37 (hg19) VCF-style: chr22-37319372-C-T.
Other names: c.163C>T (NM_000395.2); short protein forms R55W.
Identifiers: ClinVar variation 1430211 (VCV001430211.9), dbSNP rs1234527750, ClinGen allele CA411401709.